The following is an entry in ClinVar:

ClinVar aggregate classification (germline): Uncertain significance (1 of 4 stars; one submission).

Allele frequency attached by ClinVar (database versions not stated): gnomAD exomes below 0.00001.

Submission:

Labcorp Genetics (formerly Invitae), Labcorp
Classification: Uncertain significance. Last evaluated: 2023-07-19. Review status: criteria provided, single submitter. Criteria: Invitae Variant Classification Sherloc (09022015). Collection method: clinical testing. Allele origin: germline.
Comment: This sequence change affects codon 375 of the DEAF1 mRNA. It is a 'silent' change, meaning that it does not change the encoded amino acid sequence of the DEAF1 protein. It affects a nucleotide within the consensus splice site. This variant is present in population databases (no rsID available, gnomAD 0.0009%). This variant has not been reported in the literature in individuals affected with DEAF1-related conditions. Algorithms developed to predict the effect of sequence changes on RNA splicing suggest that this variant is not likely to affect RNA splicing. In summary, the available evidence is currently insufficient to determine the role of this variant in disease. Therefore, it has been classified as a Variant of Uncertain Significance.

NM_021008.4(DEAF1):c.1125A>G (p.Thr375=)

Gene: DEAF1 (DEAF1 transcription factor; minus strand). Cytogenetic location: 11p15.5.
Variant type: single nucleotide variant.
Coding change: c.1125A>G on transcript NM_021008.4 (MANE Select); coding-DNA position 1125, A replaced by G.
Protein change: p.Thr375=; no amino-acid change (threonine 375 retained).
Molecular consequence: synonymous variant.
Genome position (GRCh38, 1-based): chr11:679,689, T>C on the plus strand (A>G on the coding strand, the complement: DEAF1 is on the minus strand). VCF-style: chr11-679689-T-C. GRCh37 (hg19) VCF-style: chr11-679689-T-C.
Other names: c.858A>G, p.Thr286= (NM_001293634.2); c.399A>G, p.Thr133= (NM_001367390.1).
Identifiers: ClinVar variation 2744890 (VCV002744890.3), dbSNP rs1222374878, ClinGen allele CA472331696.